The following is an entry in ClinVar:

NM_001330260.2(SCN8A):c.5383T>C (p.Phe1795Leu)

Gene: SCN8A (sodium voltage-gated channel alpha subunit 8; plus strand). Cytogenetic location: 12q13.13.
Variant type: single nucleotide variant.
Coding change: c.5383T>C on transcript NM_001330260.2 (MANE Select); coding-DNA position 5383, T replaced by C.
Protein change: p.Phe1795Leu; replaces phenylalanine 1795 with leucine.
Molecular consequence: missense variant.
Genome position (GRCh38, 1-based): chr12:51,806,869, T>C. VCF-style: chr12-51806869-T-C. GRCh37 (hg19) VCF-style: chr12-52200653-T-C.
Other names: c.5260T>C, p.Phe1754Leu (NM_001177984.3, NM_001369788.1); c.5383T>C, p.Phe1795Leu (NM_014191.4); short protein forms F1754L, F1795L.
Identifiers: ClinVar variation 4293383 (VCV004293383.1).

ClinVar aggregate classification (germline): Likely pathogenic (1 of 4 stars; one submission).

Conditions:
Developmental and epileptic encephalopathy, 13 (DEE13). Also called: Developmental and Epileptic Encephalopathy (SCN8A-DEE); Early infantile epileptic encephalopathy 13; SCN8A-Related Epilepsy. Identifiers: Orphanet 442835, MedGen C3281191, MONDO:0013801, OMIM 614558.

Submission:

3billion
Classification: Likely pathogenic for Developmental and epileptic encephalopathy, 13. Last evaluated: 2024-10-22. Review status: criteria provided, single submitter. Criteria: ACMG Guidelines, 2015. Collection method: clinical testing. Allele origin: germline. Affected: yes.
Comment: The variant is not observed in the gnomAD v4.1.0 dataset. Predicted Consequence/Location: Missense variant. Missense changes are a common disease-causing mechanism.The variant is located in a mutational hot spot and/or well-established functional domain in which established pathogenic variants have been reported (PMID: 27270488, 35188110). In silico tool predictions suggest damaging effect of the variant on gene or gene product [REVEL: 0.94 (>=0.6, sensitivity 0.68 and specificity 0.92); 3Cnet: 0.95 (>=0.6, sensitivity 0.72 and precision 0.9)]. The variant has been reported as of uncertain significance (ClinVar ID: VCV001518768) Therefore, this variant is classified as Likely pathogenic according to the recommendation of ACMG/AMP guideline.